The following is an entry in ClinVar:

ClinVar aggregate classification (germline): Uncertain significance (1 of 4 stars; one submission).

Conditions:
Primary ciliary dyskinesia. Also called: Ciliary dyskinesia. Identifiers: Orphanet 244, MedGen C0008780, MONDO:0016575, HP:0012265.

Allele frequency attached by ClinVar (database versions not stated): TOPMed 0.00003; gnomAD exomes 0.00007 and 0.00016; ExAC 0.00010; gnomAD 0.00010; 1000 Genomes Project 30x 0.00016; 1000 Genomes Project 0.00020.
gnomAD v4.1: 114 of 1,599,034 alleles (0.0071%); highest among the groups gnomAD compares: Non-Finnish European, 0.0031%; no homozygotes.

Submission:

Labcorp Genetics (formerly Invitae), Labcorp
Classification: Uncertain significance for Primary ciliary dyskinesia. Last evaluated: 2025-11-30. Review status: criteria provided, single submitter. Criteria: Invitae Variant Classification Sherloc (09022015). Collection method: clinical testing. Allele origin: germline.
Comment: This sequence change replaces serine, which is neutral and polar, with proline, which is neutral and non-polar, at codon 2110 of the DNAH8 protein (p.Ser2110Pro). This variant is present in population databases (rs201462063, gnomAD 0.1%). This variant has not been reported in the literature in individuals affected with DNAH8-related conditions. ClinVar contains an entry for this variant (Variation ID: 1016072). Invitae Evidence Modeling of protein sequence and biophysical properties (such as structural, functional, and spatial information, amino acid conservation, physicochemical variation, residue mobility, and thermodynamic stability) indicates that this missense variant is expected to disrupt DNAH8 protein function with a positive predictive value of 80%. In summary, the available evidence is currently insufficient to determine the role of this variant in disease. Therefore, it has been classified as a Variant of Uncertain Significance.

NM_001206927.2(DNAH8):c.6328T>C (p.Ser2110Pro)

Gene: DNAH8 (dynein axonemal heavy chain 8; plus strand). Cytogenetic location: 6p21.2.
Variant type: single nucleotide variant.
Coding change: c.6328T>C on transcript NM_001206927.2 (MANE Select); coding-DNA position 6328, T replaced by C.
Protein change: p.Ser2110Pro; replaces serine 2110 with proline.
Molecular consequence: missense variant.
Genome position (GRCh38, 1-based): chr6:38,863,890, T>C. VCF-style: chr6-38863890-T-C. GRCh37 (hg19) VCF-style: chr6-38831666-T-C.
Other names: c.5677T>C, p.Ser1893Pro (NM_001371.4); short protein forms S1893P, S2110P.
Identifiers: ClinVar variation 1016072 (VCV001016072.4), dbSNP rs201462063, ClinGen allele CA3789637.